The following is an entry in ClinVar:

NM_024741.3(ZNF408):c.893G>T (p.Gly298Val)

Gene: ZNF408 (zinc finger protein 408; plus strand). Cytogenetic location: 11p11.2.
Variant type: single nucleotide variant.
Coding change: c.893G>T on transcript NM_024741.3 (MANE Select); coding-DNA position 893, G replaced by T.
Protein change: p.Gly298Val; replaces glycine 298 with valine.
Molecular consequence: missense variant.
Genome position (GRCh38, 1-based): chr11:46,704,593, G>T. VCF-style: chr11-46704593-G-T. GRCh37 (hg19) VCF-style: chr11-46726143-G-T.
Other names: c.893G>T (NM_024741.2); c.869G>T, p.Gly290Val (NM_001184751.2); short protein forms G298V, G290V.
Identifiers: ClinVar variation 2780178 (VCV002780178.4), dbSNP rs1243511222, ClinGen allele CA380254406.

ClinVar aggregate classification (germline): Uncertain significance. Review status: criteria provided, multiple submitters, no conflicts (2 of 4 stars). 2 submissions from 2 submitters: Uncertain significance (2). Last evaluated 2025-08-25.

Conditions:
Inborn genetic diseases. Identifiers: MedGen C0950123, MeSH D030342.

Allele frequency attached by ClinVar (database versions not stated): gnomAD exomes 0.00001.

Submissions (2):

Ambry Genetics
Classification: Uncertain significance for Inborn genetic diseases. Last evaluated: 2025-08-25. Review status: criteria provided, single submitter. Criteria: Ambry Variant Classification Scheme 2023. Collection method: clinical testing. Allele origin: germline.

Labcorp Genetics (formerly Invitae), Labcorp
Classification: Uncertain significance. Last evaluated: 2023-03-02. Review status: criteria provided, single submitter. Criteria: Invitae Variant Classification Sherloc (09022015). Collection method: clinical testing. Allele origin: germline.
Comment: This variant is present in population databases (no rsID available, gnomAD 0.009%). This variant has not been reported in the literature in individuals affected with ZNF408-related conditions. An algorithm developed to predict the effect of missense changes on protein structure and function (PolyPhen-2) suggests that this variant is likely to be tolerated. In summary, the available evidence is currently insufficient to determine the role of this variant in disease. Therefore, it has been classified as a Variant of Uncertain Significance. This sequence change replaces glycine, which is neutral and non-polar, with valine, which is neutral and non-polar, at codon 298 of the ZNF408 protein (p.Gly298Val).